The following is an entry in ClinVar:

NC_000009.11:g.(?_108358859)_(108510491_?)dup

Genes: FKTN (fukutin; plus strand), TAL2 (TAL bHLH transcription factor 2; plus strand), TMEM38B (transmembrane protein 38B; plus strand). Cytogenetic location: 9q31.2.
Variant type: Duplication.
Identifiers: ClinVar variation 1501759 (VCV001501759.4).

ClinVar aggregate classification (germline): Uncertain significance. Review status: criteria provided, single submitter (1 of 4 stars). 2 submissions from 1 submitter: Uncertain significance (1). 1 of the submissions does not count toward it. Last evaluated 2021-06-10.

Conditions:
Walker-Warburg congenital muscular dystrophy. Also called: Muscular dystrophy-dystroglycanopathy, type A; Walker-Warburg syndrome. Identifiers: Orphanet 899, MedGen C0265221, MONDO:0000171.

Submissions (2):

Labcorp Genetics (formerly Invitae), Labcorp
Classification: Uncertain significance. Last evaluated: 2021-06-10. Review status: criteria provided, single submitter. Criteria: Invitae Variant Classification Sherloc (09022015). Collection method: clinical testing. Allele origin: germline.
Comment: This variant results in a copy number gain of the genomic region encompassing exon(s) 1-5 of the TMEM38B gene. This region includes the initiator codon of the gene. The 5' end of this event is unknown as it extends beyond the assayed region for this gene and therefore may encompass additional genes. The 3' boundary is likely confined to intron 5 of the TMEM38B gene. As the precise location of this event is unknown, it may be in tandem or it may be located elsewhere in the genome. This variant has not been reported in the literature in individuals with TMEM38B-related conditions. In summary, the available evidence is currently insufficient to determine the role of this variant in disease. Therefore, it has been classified as a Variant of Uncertain Significance.

Labcorp Genetics (formerly Invitae), Labcorp
Classification: Uncertain significance for Walker-Warburg congenital muscular dystrophy. Last evaluated: 2022-07-19. Review status: flagged submission. Criteria: Invitae Variant Classification Sherloc (09022015). Collection method: clinical testing. Allele origin: germline. Not counted in ClinVar's aggregate classification.
Comment: This variant results in a copy number gain of the genomic region encompassing exon(s) 4-11 of the FKTN gene. This region includes the termination codon of the gene. This copy number gain extends beyond the assayed region for this gene and therefore may encompass additional genes. As the precise location of this event is unknown, it may be in tandem or it may be located elsewhere in the genome. This variant has not been reported in the literature in individuals affected with FKTN-related conditions. In summary, the available evidence is currently insufficient to determine the role of this variant in disease. Therefore, it has been classified as a Variant of Uncertain Significance.
ClinVar note: Reason: This record appears to be redundant with a more recent record from the same submitter.
ClinVar note: Notes: SCV002292055 appears to be redundant with SCV002301309.